The following is an entry in ClinVar:

NM_001346249.2(RALGAPA1):c.4583A>G (p.Glu1528Gly)

Gene: RALGAPA1 (Ral GTPase activating protein catalytic subunit alpha 1; minus strand). Cytogenetic location: 14q13.2.
Variant type: single nucleotide variant.
Coding change: c.4583A>G on transcript NM_001346249.2 (MANE Select); coding-DNA position 4583, A replaced by G.
Protein change: p.Glu1528Gly; replaces glutamic acid 1528 with glycine.
Molecular consequence: missense variant.
Genome position (GRCh38, 1-based): chr14:35,677,991, T>C on the plus strand (A>G on the coding strand, the complement: RALGAPA1 is on the minus strand). VCF-style: chr14-35677991-T-C. GRCh37 (hg19) VCF-style: chr14-36147197-T-C.
Other names: p.Glu1022Gly; c.3104A>G, p.Glu1035Gly (NM_001283043.3); c.3206A>G, p.Glu1069Gly (NM_001283044.3, NM_001346245.2, NM_001346247.2); c.4442A>G, p.Glu1481Gly (NM_001330075.3, NM_001346248.2); c.3065A>G, p.Glu1022Gly (NM_001346243.2, NM_001346246.2, NM_014990.3 and 1 more transcripts); short protein forms E1022G, E1035G, E1481G, E1069G, E1528G.
Identifiers: ClinVar variation 769860 (VCV000769860.5), dbSNP rs148266372, ClinGen allele CA7156701.

ClinVar aggregate classification (germline): Benign. Review status: criteria provided, multiple submitters, no conflicts (2 of 4 stars). 3 submissions from 3 submitters: Benign (3). Last evaluated 2022-08-24.

Allele frequency attached by ClinVar (database versions not stated): 1000 Genomes Project 30x 0.00312; TOPMed 0.00556; ESP Exome Variant Server 0.00092; gnomAD exomes 0.00150 and 0.00692; 1000 Genomes Project 0.00319; gnomAD 0.00379; ExAC 0.00491.
gnomAD v4.1: 2,746 of 1,613,704 alleles (0.17%); highest among the groups gnomAD compares: Admixed American, 4.1%; 61 homozygotes.

Submissions (3):

Mayo Clinic Laboratories, Mayo Clinic
Classification: Benign. Last evaluated: 2022-08-24. Review status: criteria provided, single submitter. Criteria: ACMG Guidelines, 2015. Collection method: clinical testing. Allele origin: germline. Observed: 6 variant alleles.
Comment: BS1, BS2, BP4

Labcorp Genetics (formerly Invitae), Labcorp
Classification: Benign. Last evaluated: 2018-06-10. Review status: criteria provided, single submitter. Criteria: Invitae Variant Classification Sherloc (09022015). Collection method: clinical testing. Allele origin: germline.

Breakthrough Genomics
Classification: Benign. Review status: criteria provided, single submitter. Criteria: ACMG Guidelines, 2015. Collection method: not provided. Allele origin: germline. Inheritance: Autosomal recessive inheritance. Affected: yes.